The following is an entry in ClinVar:

NM_015667.2(SPATA31A7):c.1272C>T (p.Ser424=)

Gene: SPATA31A7 (SPATA31 subfamily A member 7; plus strand). Cytogenetic location: 9q12.
Variant type: single nucleotide variant.
Coding change: c.1272C>T on transcript NM_015667.2 (MANE Select); coding-DNA position 1272, C replaced by T.
Protein change: p.Ser424=; no amino-acid change (serine 424 retained).
Molecular consequence: synonymous variant.
Genome position (GRCh38, 1-based): chr9:61,193,358, C>T. VCF-style: chr9-61193358-C-T. GRCh37 (hg19) VCF-style: chr9-65506288-G-A.
Identifiers: ClinVar variation 2659224 (VCV002659224.24), dbSNP rs201100717, ClinGen allele CA193408043.
Genomic context (GRCh38, chr9:61,193,358, plus strand): 5'-GCAGGAAAGTTTTTGGAAGAATTATAGCCAGCTTTTCTGGGGCCTCCCCTCTCTGCACAG[C>T]GAGTCCCTGGTGGCTAACGCCTGGGTAACTGACAGGTCTTATACTTTACAGTCTCCTCCT-3'
Protein context (NP_056482.2, residues 414-434): QLFWGLPSLH[Ser424=]ESLVANAWVT

ClinVar aggregate classification (germline): Likely benign (1 of 4 stars; one submission).

Submission:

CeGaT Center for Human Genetics Tuebingen
Classification: Likely benign. Last evaluated: 2024-09-01. Review status: criteria provided, single submitter. Criteria: CeGaT Center For Human Genetics Tuebingen Variant Classification Criteria Version 2. Collection method: clinical testing. Allele origin: germline. Affected: yes. Observed: 5 variant alleles.
Comment: SPATA31A7: BP4, BP7